The following is an entry in ClinVar:

NM_001033855.3(DCLRE1C):c.1057G>A (p.Glu353Lys)

Gene: DCLRE1C (DNA cross-link repair 1C; minus strand). Cytogenetic location: 10p13.
Variant type: single nucleotide variant.
Coding change: c.1057G>A on transcript NM_001033855.3 (MANE Select); coding-DNA position 1057, G replaced by A.
Protein change: p.Glu353Lys; replaces glutamic acid 353 with lysine.
Molecular consequence: missense variant. On other transcripts: non-coding transcript variant (4).
Genome position (GRCh38, 1-based): chr10:14,922,985, C>T on the plus strand (G>A on the coding strand, the complement: DCLRE1C is on the minus strand). VCF-style: chr10-14922985-C-T. GRCh37 (hg19) VCF-style: chr10-14964984-C-T.
Other names: c.697G>A, p.Glu233Lys (NM_001033857.3, NM_001033858.3, NM_001289077.2 and 2 more transcripts); c.712G>A, p.Glu238Lys (NM_001289076.2, NM_001289078.2, NM_001350966.2 and 1 more transcripts); c.1057G>A, p.Glu353Lys (NM_001350965.2); short protein forms E353K, E233K, E238K.
Identifiers: ClinVar variation 854440 (VCV000854440.8), dbSNP rs541855040, ClinGen allele CA5416572.

ClinVar aggregate classification (germline): Uncertain significance. Review status: criteria provided, multiple submitters, no conflicts (2 of 4 stars). 3 submissions from 3 submitters: Uncertain significance (2). 1 of the submissions does not count toward it. Last evaluated 2022-04-20.

Conditions:
Athabaskan severe combined immunodeficiency (SCIDA). Also called: Severe combined immunodeficiency, athabascan-type. Identifiers: MedGen C1865370.
Severe combined immunodeficiency due to DCLRE1C deficiency (RS-SCID). Also called: SCID, AUTOSOMAL RECESSIVE, T CELL-NEGATIVE, B CELL-NEGATIVE, NK CELL-POSITIVE, WITH SENSITIVITY TO IONIZING RADIATION. Identifiers: Orphanet 275, MedGen C1865371, MONDO:0011225, OMIM 602450.

Allele frequency attached by ClinVar (database versions not stated): ExAC 0.00001; gnomAD exomes 0.00001.
gnomAD v4.1: 12 of 1,613,140 alleles (0.00074%); highest among the groups gnomAD compares: South Asian, 0.0033%; no homozygotes.

Submissions (3):

Labcorp Genetics (formerly Invitae), Labcorp
Classification: Uncertain significance for Athabaskan severe combined immunodeficiency. Last evaluated: 2022-04-20. Review status: criteria provided, single submitter. Criteria: Invitae Variant Classification Sherloc (09022015). Collection method: clinical testing. Allele origin: germline.
Comment: This sequence change replaces glutamic acid, which is acidic and polar, with lysine, which is basic and polar, at codon 353 of the DCLRE1C protein (p.Glu353Lys). This variant is present in population databases (rs541855040, gnomAD 0.006%). This variant has not been reported in the literature in individuals affected with DCLRE1C-related conditions. ClinVar contains an entry for this variant (Variation ID: 854440). Algorithms developed to predict the effect of missense changes on protein structure and function (SIFT, PolyPhen-2, Align-GVGD) all suggest that this variant is likely to be tolerated. In summary, the available evidence is currently insufficient to determine the role of this variant in disease. Therefore, it has been classified as a Variant of Uncertain Significance.

Breakthrough Genomics
Classification: Uncertain significance. Review status: criteria provided, single submitter. Criteria: ACMG Guidelines, 2015. Collection method: not provided. Allele origin: germline. Inheritance: Autosomal recessive inheritance. Affected: yes.

Natera, Inc.
Classification: Uncertain significance for Athabascan severe combined immunodeficiency. Last evaluated: 2020-02-26. Review status: no assertion criteria provided. Collection method: clinical testing. Allele origin: germline. Not counted in ClinVar's aggregate classification.